The following is an entry in ClinVar:

NM_004329.3(BMPR1A):c.133_134del (p.Glu45fs)

Gene: BMPR1A (bone morphogenetic protein receptor type 1A; plus strand). Cytogenetic location: 10q23.2.
Variant type: Deletion.
Coding change: c.133_134del on transcript NM_004329.3 (MANE Select); coding-DNA positions 133 to 134, 2 bases deleted (GA; older notation c.133_134delGA).
Protein change: p.Glu45fs; shifts the reading frame from glutamic acid 45.
Molecular consequence: frameshift variant.
Genome position (GRCh38, 1-based): chr10:86,890,127-86,890,128, GA deleted; deleting any 2 consecutive bases within chr10:86,890,126-86,890,128 gives the same sequence; the c. name uses the placement nearest the transcript's 3' end. VCF-style (leftmost placement, unchanged base first): chr10-86890125-CAG-C. GRCh37 (hg19) VCF-style: chr10-88649882-CAG-C.
Other names: c.133_134delGA (NM_004329.2); short protein forms E45fs.
Identifiers: ClinVar variation 581321 (VCV000581321.11), dbSNP rs1564714804, ClinGen allele CA891842481.
Genomic context (GRCh38, chr10:86,890,125, plus strand): 5'-AGAATCTGGATAGTATGCTTCATGGCACTGGGATGAAATCAGACTCCGACCAGAAAAAGT[CAG>C]AAAATGGAGTAACCTTAGCACCAGAGGATACCTTGCCTTTTTTAAAGTGCTATTGCTCAG-3'

ClinVar aggregate classification (germline): Pathogenic. Review status: criteria provided, multiple submitters, no conflicts (2 of 4 stars). 3 submissions from 3 submitters: Pathogenic (3). Last evaluated 2025-03-30.

Conditions:
Hereditary cancer-predisposing syndrome. Also called: Neoplastic Syndromes, Hereditary; Hereditary Cancer Syndrome; Tumor predisposition; Hereditary neoplastic syndrome. Identifiers: Orphanet 140162, MedGen C0027672, MeSH D009386, MONDO:0015356.
Juvenile polyposis syndrome (JPS). Identifiers: Orphanet 2929, MedGen C0345893, MONDO:0017380, OMIM 174900.

Submissions (3):

Labcorp Genetics (formerly Invitae), Labcorp
Classification: Pathogenic for Juvenile polyposis syndrome. Last evaluated: 2025-03-30. Review status: criteria provided, single submitter. Criteria: Invitae Variant Classification Sherloc (09022015). Collection method: clinical testing. Allele origin: germline.
Comment: This sequence change creates a premature translational stop signal (p.Glu45Lysfs*25) in the BMPR1A gene. It is expected to result in an absent or disrupted protein product. Loss-of-function variants in BMPR1A are known to be pathogenic (PMID: 11536076, 12417513). This variant is not present in population databases (gnomAD no frequency). This variant has not been reported in the literature in individuals affected with BMPR1A-related conditions. ClinVar contains an entry for this variant (Variation ID: 581321). For these reasons, this variant has been classified as Pathogenic.

Color Diagnostics, LLC DBA Color Health
Classification: Pathogenic for Hereditary cancer-predisposing syndrome. Last evaluated: 2024-01-08. Review status: criteria provided, single submitter. Criteria: ACMG Guidelines, 2015. Collection method: clinical testing. Allele origin: germline.
Comment: This variant deletes 2 nucleotides in exon 4 of the BMPR1A gene, creating a frameshift and premature translation stop signal. This variant is expected to result in an absent or non-functional protein product. To our knowledge, this variant has not been reported in individuals affected with BMPR1A-related disorders in the literature. This variant has not been identified in the general population by the Genome Aggregation Database (gnomAD). Loss of BMPR1A function is a known mechanism of disease. Based on the available evidence, this variant is classified as Pathogenic.

Quest Diagnostics Nichols Institute San Juan Capistrano
Classification: Pathogenic. Last evaluated: 2023-06-06. Review status: criteria provided, single submitter. Criteria: Quest Diagnostics criteria. Collection method: clinical testing. Allele origin: unknown.
Comment: The BMPR1A c.133_134del (p.Glu45Lysfs*25) variant alters the translational reading frame of the BMPR1A mRNA and causes the premature termination of BMPR1A protein synthesis. This variant has not been reported in individuals with BMPR1A-related conditions in the published literature. This variant has not been reported in large, multi-ethnic general populations (Genome Aggregation Database). Based on the available information, this variant is classified as pathogenic.

Literature cited by the submitters: PubMed 11536076 (cited by Labcorp Genetics (formerly Invitae), Labcorp); PubMed 12417513 (cited by Labcorp Genetics (formerly Invitae), Labcorp).